The following is an entry in ClinVar:

NM_030653.4(DDX11):c.1042C>A (p.Arg348=)

Gene: DDX11 (DEAD/H-box helicase 11; plus strand). Cytogenetic location: 12p11.21.
Variant type: single nucleotide variant.
Coding change: c.1042C>A on transcript NM_030653.4 (MANE Select); coding-DNA position 1042, C replaced by A.
Protein change: p.Arg348=; no amino-acid change (arginine 348 retained).
Molecular consequence: synonymous variant. On other transcripts: non-coding transcript variant (4).
Genome position (GRCh38, 1-based): chr12:31,090,047, C>A. VCF-style: chr12-31090047-C-A. GRCh37 (hg19) VCF-style: chr12-31242981-C-A.
Other names: c.1042C>A, p.Arg348= (NM_001257144.2, NM_001413692.1, NM_001413693.1 and 5 more transcripts); c.964C>A, p.Arg322= (NM_001257145.2, NM_001413697.1, NM_001413698.1 and 1 more transcripts); c.955C>A, p.Arg319= (NM_001413700.1); c.514C>A, p.Arg172= (NM_001413702.1, NM_001413703.1); c.181C>A, p.Arg61= (NM_001413704.1, NM_001413705.1); c.76C>A, p.Arg26= (NM_001413706.1).
Identifiers: ClinVar variation 4535711 (VCV004535711.1).

ClinVar aggregate classification (germline): Likely benign (1 of 4 stars; one submission).

Submission:

Women's Health and Genetics/Laboratory Corporation of America, LabCorp
Classification: Likely benign. Last evaluated: 2025-09-05. Review status: criteria provided, single submitter. Criteria: LabCorp Variant Classification Summary - May 2015. Collection method: clinical testing. Allele origin: germline.
Comment: Variant summary: DDX11 c.1042C>A alters a non-conserved nucleotide resulting in a synonymous change. Consensus agreement among computation tools predict no significant impact on normal splicing. However, these predictions have yet to be confirmed by functional studies. The variant was absent in 151980 control chromosomes. The available data on variant occurrences in the general population are insufficient to allow any conclusion about variant significance. To our knowledge, no occurrence of c.1042C>A in individuals affected with DDX11-related conditions and no experimental evidence demonstrating its impact on protein function have been reported. No submitters have cited clinical-significance assessments for this variant to ClinVar. Based on the evidence outlined above, the variant was classified as likely benign.